The following is an entry in ClinVar:

ClinVar aggregate classification (germline): Benign. Review status: criteria provided, multiple submitters, no conflicts (2 of 4 stars). 3 submissions from 3 submitters: Benign (2). 1 of the submissions does not count toward it. Last evaluated 2019-12-31.

Conditions:
CHD3-related disorder. Also called: CHD3-related condition.

Allele frequency attached by ClinVar (database versions not stated): gnomAD exomes 0.00050 and 0.00139; ExAC 0.00167; gnomAD 0.00520 and 0.00550; 1000 Genomes Project 30x 0.00593; 1000 Genomes Project 0.00599; ESP Exome Variant Server 0.00600; TOPMed 0.00620.
gnomAD v4.1: 1,570 of 1,614,032 alleles (0.097%); highest among the groups gnomAD compares: African/African-American, 1.7%; 10 homozygotes.

Submissions (3):

Labcorp Genetics (formerly Invitae), Labcorp
Classification: Benign. Last evaluated: 2019-12-31. Review status: criteria provided, single submitter. Criteria: Invitae Variant Classification Sherloc (09022015). Collection method: clinical testing. Allele origin: germline.

Breakthrough Genomics
Classification: Benign. Review status: criteria provided, single submitter. Criteria: ACMG Guidelines, 2015. Collection method: not provided. Allele origin: germline. Inheritance: Autosomal dominant inheritance. Affected: yes.

PreventionGenetics, part of Exact Sciences
Classification: Benign for CHD3-related condition. Last evaluated: 2019-03-25. Review status: no assertion criteria provided. Collection method: clinical testing. Allele origin: germline. Not counted in ClinVar's aggregate classification.
Comment: This variant is classified as benign based on ACMG/AMP sequence variant interpretation guidelines (Richards et al. 2015 PMID: 25741868, with internal and published modifications).

NM_001005273.3(CHD3):c.5591-10C>T

Gene: CHD3 (chromodomain helicase DNA binding protein 3; plus strand). Cytogenetic location: 17p13.1.
Variant type: single nucleotide variant.
Coding change: c.5591-10C>T on transcript NM_001005273.3 (MANE Select); 10 bases into the intron before coding-DNA position 5591, C replaced by T.
Molecular consequence: intron variant.
Genome position (GRCh38, 1-based): chr17:7,910,418, C>T. VCF-style: chr17-7910418-C-T. GRCh37 (hg19) VCF-style: chr17-7813736-C-T.
Other names: c.5768-10C>T (NM_001005271.3); c.5489-10C>T (NM_005852.4).
Identifiers: ClinVar variation 790176 (VCV000790176.7), dbSNP rs145883027, ClinGen allele CA8363705.